The following is an entry in ClinVar:

ClinVar aggregate classification (germline): Uncertain significance (1 of 4 stars; one submission).

Allele frequency attached by ClinVar (database versions not stated): gnomAD exomes below 0.00001.

Submission:

Labcorp Genetics (formerly Invitae), Labcorp
Classification: Uncertain significance. Last evaluated: 2024-05-20. Review status: criteria provided, single submitter. Criteria: Invitae Variant Classification Sherloc (09022015). Collection method: clinical testing. Allele origin: germline.
Comment: This sequence change replaces histidine, which is basic and polar, with arginine, which is basic and polar, at codon 510 of the LSS protein (p.His510Arg). This variant is not present in population databases (gnomAD no frequency). This variant has not been reported in the literature in individuals affected with LSS-related conditions. ClinVar contains an entry for this variant (Variation ID: 2019314). Algorithms developed to predict the effect of missense changes on protein structure and function output the following: SIFT: "Not Available"; PolyPhen-2: "Benign"; Align-GVGD: "Not Available". The arginine amino acid residue is found in multiple mammalian species, which suggests that this missense change does not adversely affect protein function. In summary, the available evidence is currently insufficient to determine the role of this variant in disease. Therefore, it has been classified as a Variant of Uncertain Significance.

NM_002340.6(LSS):c.1529A>G (p.His510Arg)

Gene: LSS (lanosterol synthase; minus strand). Cytogenetic location: 21q22.3.
Variant type: single nucleotide variant.
Coding change: c.1529A>G on transcript NM_002340.6 (MANE Select); coding-DNA position 1529, A replaced by G.
Protein change: p.His510Arg; replaces histidine 510 with arginine.
Molecular consequence: missense variant.
Genome position (GRCh38, 1-based): chr21:46,206,707, T>C on the plus strand (A>G on the coding strand, the complement: LSS is on the minus strand). VCF-style: chr21-46206707-T-C. GRCh37 (hg19) VCF-style: chr21-47626621-T-C.
Other names: c.1529A>G, p.His510Arg (NM_001001438.3); c.1496A>G, p.His499Arg (NM_001145436.2); c.1289A>G, p.His430Arg (NM_001145437.2); short protein forms H510R, H430R, H499R.
Identifiers: ClinVar variation 2019314 (VCV002019314.4), dbSNP rs1230194484, ClinGen allele CA410551109.